The following is an entry in ClinVar:

NM_001322934.2(NFKB2):c.1553G>A (p.Gly518Asp)

Gene: NFKB2 (nuclear factor kappa B subunit 2; plus strand). Cytogenetic location: 10q24.32.
Variant type: single nucleotide variant.
Coding change: c.1553G>A on transcript NM_001322934.2 (MANE Select); coding-DNA position 1553, G replaced by A.
Protein change: p.Gly518Asp; replaces glycine 518 with aspartic acid.
Molecular consequence: missense variant.
Genome position (GRCh38, 1-based): chr10:102,400,163, G>A. VCF-style: chr10-102400163-G-A. GRCh37 (hg19) VCF-style: chr10-104159920-G-A.
Other names: c.1553G>A, p.Gly518Asp (NM_001077494.3, NM_001261403.3, NM_001288724.1 and 1 more transcripts); c.1427G>A, p.Gly476Asp (NM_001322935.1); short protein forms G476D, G518D.
Identifiers: ClinVar variation 1400981 (VCV001400981.8), dbSNP rs916599971, ClinGen allele CA212216235.

ClinVar aggregate classification (germline): Uncertain significance (1 of 4 stars; one submission).

Conditions:
Immunodeficiency, common variable, 10. Also called: DEFICIT IN ANTERIOR PITUITARY FUNCTION AND VARIABLE IMMUNODEFICIENCY; IMMUNODEFICIENCY, COMMON VARIABLE, WITH CENTRAL ADRENAL INSUFFICIENCY. Identifiers: MedGen C3809991, MONDO:0014260, OMIM 615577.

Allele frequency attached by ClinVar (database versions not stated): gnomAD 0.00001; gnomAD exomes 0.00001.

Submission:

Labcorp Genetics (formerly Invitae), Labcorp
Classification: Uncertain significance for Immunodeficiency, common variable, 10. Last evaluated: 2025-10-09. Review status: criteria provided, single submitter. Criteria: Invitae Variant Classification Sherloc (09022015). Collection method: clinical testing. Allele origin: germline.
Comment: This sequence change replaces glycine, which is neutral and non-polar, with aspartic acid, which is acidic and polar, at codon 518 of the NFKB2 protein (p.Gly518Asp). This variant is present in population databases (no rsID available, gnomAD 0.009%). This variant has not been reported in the literature in individuals affected with NFKB2-related conditions. ClinVar contains an entry for this variant (Variation ID: 1400981). An algorithm developed to predict the effect of missense changes on protein structure and function (PolyPhen-2) suggests that this variant is likely to be tolerated. In summary, the available evidence is currently insufficient to determine the role of this variant in disease. Therefore, it has been classified as a Variant of Uncertain Significance.